The following is an entry in ClinVar:

ClinVar aggregate classification (germline): Uncertain significance (1 of 4 stars; one submission).

Submission:

GeneDx
Classification: Uncertain significance. Last evaluated: 2022-01-17. Review status: criteria provided, single submitter. Criteria: GeneDx Variant Classification Process June 2021. Collection method: clinical testing. Allele origin: germline. Affected: yes.
Comment: Not observed at significant frequency in large population cohorts (gnomAD); In silico analysis supports that this missense variant does not alter protein structure/function; Has not been previously published as pathogenic or benign to our knowledge; This variant is associated with the following publications: (PMID: 28545555)

NM_017654.4(SAMD9):c.1420A>C (p.Thr474Pro)

Gene: SAMD9 (sterile alpha motif domain containing 9; minus strand). Cytogenetic location: 7q21.2.
Variant type: single nucleotide variant.
Coding change: c.1420A>C on transcript NM_017654.4 (MANE Select); coding-DNA position 1420, A replaced by C.
Protein change: p.Thr474Pro; replaces threonine 474 with proline.
Molecular consequence: missense variant.
Genome position (GRCh38, 1-based): chr7:93,104,678, T>G on the plus strand (A>C on the coding strand, the complement: SAMD9 is on the minus strand). VCF-style: chr7-93104678-T-G. GRCh37 (hg19) VCF-style: chr7-92733991-T-G.
Other names: c.1420A>C, p.Thr474Pro (NM_001193307.2); short protein forms T474P.
Identifiers: ClinVar variation 1697088 (VCV001697088.2), dbSNP rs1791599580, ClinGen allele CA368196727.
Genomic context (GRCh38, chr7:93,104,678, plus strand): 5'-AGAAAATCCAGCTGGGTTGATGGTAAAGATTTAGAGTAGAAATCGTCTCATTTGGTGTGG[T>G]TTTCTGTTCTACATATACACTTGGAAAGTGAAGGTTTGCTACTCGGCTTTCTTTGTAAGC-3'
Protein context (NP_060124.2, residues 464-484): HFPSVYVEQK[Thr474Pro]TPNETISTLN